The following is an entry in ClinVar:

ClinVar aggregate classification (germline): Uncertain significance (1 of 4 stars; one submission).

Conditions:
Duchenne muscular dystrophy (DMD). Also called: MUSCULAR DYSTROPHY, PSEUDOHYPERTROPHIC PROGRESSIVE, DUCHENNE TYPE; Duchenne Muscular Dystrophy (DMD). Identifiers: Orphanet 98896, MedGen C0013264, MONDO:0010679, OMIM 310200.

Submission:

Labcorp Genetics (formerly Invitae), Labcorp
Classification: Uncertain significance for Duchenne muscular dystrophy. Last evaluated: 2018-04-23. Review status: criteria provided, single submitter. Criteria: Invitae Variant Classification Sherloc (09022015). Collection method: clinical testing. Allele origin: germline.
Comment: This variant is a gross duplication of the genomic region encompassing exon 1 of the DMD gene. The 5' end of this event is unknown as it extends beyond the assayed region for this gene and therefore may encompass additional genes. The 3' boundary is likely confined to intron 1 of the DMD gene. The exact location of this variant in the genome is unknown. This copy number variant has not been reported in the literature in individuals with DMD-related disease. Experimental studies and prediction algorithms are not available for this variant, and the functional significance of the duplicated exon is currently unknown. In summary, the available evidence is currently insufficient to determine the role of this variant in disease. Therefore, it has been classified as a Variant of Uncertain Significance.

NC_000023.10:g.(?_33146244)_(33357402_?)dup

Gene: DMD (dystrophin; minus strand). Cytogenetic location: Xp21.1.
Variant type: Duplication.
Identifiers: ClinVar variation 584121 (VCV000584121.1).